The following is an entry in ClinVar:

ClinVar aggregate classification (germline): Benign. Review status: criteria provided, multiple submitters, no conflicts (2 of 4 stars). 2 submissions from 2 submitters: Benign (2). Last evaluated 2018-01-13.

Conditions:
Vitamin K-dependent clotting factors, combined deficiency of, type 1. Also called: FACTORS II, VII, IX, AND X, COMBINED DEFICIENCY OF; FAMILIAL MULTIPLE COAGULATION FACTOR DEFICIENCY III; FMFD III; GLUTAMIC ACID, DEFICIENT GAMMA-CARBOXYLATION OF; MULTIPLE COAGULATION FACTOR DEFICIENCY III; VITAMIN K-DEPENDENT COAGULATION DEFECT. Identifiers: Orphanet 98434, MedGen C1848534, MONDO:0010187, OMIM 277450.

Allele frequency attached by ClinVar (database versions not stated): gnomAD exomes 0.04167; 1000 Genomes Project 0.06769; 1000 Genomes Project 30x 0.06839; TOPMed 0.07671; gnomAD 0.08578.

Submissions (2):

Illumina Laboratory Services, Illumina
Classification: Benign for Vitamin K-dependent clotting factors, combined deficiency of, type 1. Last evaluated: 2018-01-13. Review status: criteria provided, single submitter. Criteria: ICSL Variant Classification Criteria 13 December 2019. Collection method: clinical testing. Allele origin: germline.
Comment: This variant was observed in the ICSL laboratory as part of a predisposition screen in an ostensibly healthy population. It had not been previously curated by ICSL or reported in the Human Gene Mutation Database (HGMD: prior to June 1st, 2018), and was therefore a candidate for classification through an automated scoring system. Utilizing variant allele frequency, disease prevalence and penetrance estimates, and inheritance mode, an automated score was calculated to assess if this variant is too frequent to cause the disease. Based on the score and internal cut-off values, a variant classified as benign is not then subjected to further curation. The score for this variant resulted in a classification of benign for this disease.

Breakthrough Genomics
Classification: Benign. Review status: criteria provided, single submitter. Criteria: ACMG Guidelines, 2015. Collection method: not provided. Allele origin: germline. Inheritance: Autosomal recessive inheritance. Affected: yes.

NM_000821.7(GGCX):c.*3416G>A

Gene: GGCX (gamma-glutamyl carboxylase; minus strand). Cytogenetic location: 2p11.2.
Variant type: single nucleotide variant.
Coding change: c.*3416G>A on transcript NM_000821.7 (MANE Select); 3416 bases downstream of the stop codon, G replaced by A.
Molecular consequence: 3 prime UTR variant.
Genome position (GRCh38, 1-based): chr2:85,546,518, C>T on the plus strand (G>A on the coding strand, the complement: GGCX is on the minus strand). VCF-style: chr2-85546518-C-T. GRCh37 (hg19) VCF-style: chr2-85773641-C-T.
Other names: c.*3416G>A (NM_001142269.4).
Identifiers: ClinVar variation 337202 (VCV000337202.6), dbSNP rs6704863, ClinGen allele CA10614030.